The following is an entry in ClinVar:

ClinVar aggregate classification (germline): Likely benign (1 of 4 stars; one submission).

Conditions:
CFTR-related disorder (CFTR-RD). Also called: CFTR-related disorders; CFTR-related condition. Identifiers: MedGen C5924204, MONDO:7770004.

Submission:

PreventionGenetics, part of Exact Sciences
Classification: Likely benign for CFTR-related condition. Last evaluated: 2025-06-05. Review status: criteria provided, single submitter. Criteria: ACMG Guidelines, 2015. Collection method: clinical testing. Allele origin: germline.
Comment: This variant is classified as likely benign based on ACMG/AMP sequence variant interpretation guidelines (Richards et al. 2015 PMID: 25741868, with internal and published modifications).

NM_000492.4(CFTR):c.1680-895A>T

Gene: CFTR (CF transmembrane conductance regulator; plus strand). Cytogenetic location: 7q31.2.
Variant type: single nucleotide variant.
Coding change: c.1680-895A>T on transcript NM_000492.4 (MANE Select); 895 bases into the intron before coding-DNA position 1680, A replaced by T.
Molecular consequence: intron variant.
Genome position (GRCh38, 1-based): chr7:117,589,458, A>T. VCF-style: chr7-117589458-A-T. GRCh37 (hg19) VCF-style: chr7-117229512-A-T.
Identifiers: ClinVar variation 4984245 (VCV004984245.1).